The following is an entry in ClinVar:

NM_015335.5(MED13L):c.5368C>T (p.Pro1790Ser)

Gene: MED13L (mediator complex subunit 13L; minus strand). Cytogenetic location: 12q24.21.
Variant type: single nucleotide variant.
Coding change: c.5368C>T on transcript NM_015335.5 (MANE Select); coding-DNA position 5368, C replaced by T.
Protein change: p.Pro1790Ser; replaces proline 1790 with serine.
Molecular consequence: missense variant.
Genome position (GRCh38, 1-based): chr12:115,975,735, G>A on the plus strand (C>T on the coding strand, the complement: MED13L is on the minus strand). VCF-style: chr12-115975735-G-A. GRCh37 (hg19) VCF-style: chr12-116413540-G-A.
Other names: short protein forms P1790S.
Identifiers: ClinVar variation 4885693 (VCV004885693.2).

ClinVar aggregate classification (germline): Uncertain significance (1 of 4 stars; one submission).

Submission:

Dasa
Classification: Uncertain significance. Last evaluated: 2025-05-21. Review status: criteria provided, single submitter. Criteria: DASA Assertion Criteria. Collection method: clinical testing. Allele origin: germline.
Comment: NM_015335.5(MED13L):c.5368C>T (p.Pro1790Ser) is a missense variant that results in the substitution of proline with serine. This variant is absent from population databases. The currently available literature and clinical evidence are not sufficient to establish a definitive association between this variant and the reported condition. Therefore, this variant is classified as a variant of uncertain significance.